The following is an entry in ClinVar:

ClinVar aggregate classification (germline): Benign/Likely benign. Review status: criteria provided, multiple submitters, no conflicts (2 of 4 stars). 3 submissions from 3 submitters: Benign (1); Likely benign (2). Last evaluated 2025-02-21.

Conditions:
Hereditary cancer-predisposing syndrome. Also called: Hereditary Cancer Syndrome; Neoplastic Syndromes, Hereditary; Hereditary neoplastic syndrome; Tumor predisposition. Identifiers: Orphanet 140162, MedGen C0027672, MeSH D009386, MONDO:0015356.
Breast-ovarian cancer, familial, susceptibility to, 4. Identifiers: Orphanet 145, MedGen C3280345, MONDO:0013669, OMIM 614291.

Allele frequency attached by ClinVar (database versions not stated): gnomAD exomes below 0.00001.
gnomAD v4.1: 1 of 1,614,042 alleles (0.000062%); highest among the groups gnomAD compares: Non-Finnish European, 0.000085%; no homozygotes.

Submissions (3):

Myriad Genetics, Inc.
Classification: Benign for Breast-ovarian cancer, familial, susceptibility to, 4. Last evaluated: 2025-02-21. Review status: criteria provided, single submitter. Criteria: Myriad Autosomal Dominant, Autosomal Recessive and X-Linked Classification Criteria (2023). Collection method: clinical testing. Allele origin: unknown.
Comment: This variant is considered benign. This variant is a silent/synonymous amino acid change and it is not expected to impact splicing.

Labcorp Genetics (formerly Invitae), Labcorp
Classification: Likely benign for Breast-ovarian cancer, familial, susceptibility to, 4. Last evaluated: 2022-09-25. Review status: criteria provided, single submitter. Criteria: Invitae Variant Classification Sherloc (09022015). Collection method: clinical testing. Allele origin: germline.

Ambry Genetics
Classification: Likely benign for Hereditary cancer-predisposing syndrome. Last evaluated: 2020-03-25. Review status: criteria provided, single submitter. Criteria: Ambry Variant Classification Scheme 2023. Collection method: clinical testing. Allele origin: germline.

NM_002878.4(RAD51D):c.369T>C (p.Asn123=)

Genes: RAD51D (RAD51 paralog D; minus strand), RAD51L3-RFFL (RAD51L3-RFFL readthrough; minus strand). Cytogenetic location: 17q12.
Variant type: single nucleotide variant.
Coding change: c.369T>C on transcript NM_002878.4 (MANE Select); coding-DNA position 369, T replaced by C.
Protein change: p.Asn123=; no amino-acid change (asparagine 123 retained).
Molecular consequence: synonymous variant. On other transcripts: non-coding transcript variant (1), intron variant (1).
Genome position (GRCh38, 1-based): chr17:35,107,099, A>G on the plus strand (T>C on the coding strand, the complement: RAD51D is on the minus strand). VCF-style: chr17-35107099-A-G. GRCh37 (hg19) VCF-style: chr17-33434118-A-G.
Other names: c.429T>C, p.Asn143= (NM_001142571.2); c.145-618T>C (NM_133629.3).
Identifiers: ClinVar variation 1089382 (VCV001089382.10), dbSNP rs2142433717, ClinGen allele CA499731743.